The following is an entry in ClinVar:

NM_004614.5(TK2):c.764T>A (p.Ile255Lys)

Gene: TK2 (thymidine kinase 2; minus strand). Cytogenetic location: 16q21.
Variant type: single nucleotide variant.
Coding change: c.764T>A on transcript NM_004614.5 (MANE Select); coding-DNA position 764, T replaced by A.
Protein change: p.Ile255Lys; replaces isoleucine 255 with lysine.
Molecular consequence: missense variant. On other transcripts: 3 prime UTR variant (1), non-coding transcript variant (1).
Genome position (GRCh38, 1-based): chr16:66,512,002, A>T on the plus strand (T>A on the coding strand, the complement: TK2 is on the minus strand). VCF-style: chr16-66512002-A-T. GRCh37 (hg19) VCF-style: chr16-66545905-A-T.
Other names: c.671T>A, p.Ile224Lys (NM_001172643.1); c.689T>A, p.Ile230Lys (NM_001172644.2); c.710T>A, p.Ile237Lys (NM_001172645.2); c.617T>A, p.Ile206Lys (NM_001271934.2); c.*61T>A (NM_001271935.1); c.473T>A, p.Ile158Lys (NM_001272050.2); short protein forms I206K, I224K, I230K, I255K, I237K, I158K.
Identifiers: ClinVar variation 2006549 (VCV002006549.4), dbSNP rs2507067931, ClinGen allele CA396186625.

ClinVar aggregate classification (germline): Uncertain significance (1 of 4 stars; one submission).

Allele frequency attached by ClinVar (database versions not stated): gnomAD exomes below 0.00001.
gnomAD v4.1: 1 of 1,614,206 alleles (0.000062%); highest among the groups gnomAD compares: South Asian, 0.0011%; no homozygotes.

Submission:

Labcorp Genetics (formerly Invitae), Labcorp
Classification: Uncertain significance. Last evaluated: 2022-06-14. Review status: criteria provided, single submitter. Criteria: Invitae Variant Classification Sherloc (09022015). Collection method: clinical testing. Allele origin: germline.
Comment: In summary, the available evidence is currently insufficient to determine the role of this variant in disease. Therefore, it has been classified as a Variant of Uncertain Significance. Algorithms developed to predict the effect of missense changes on protein structure and function (SIFT, PolyPhen-2, Align-GVGD) all suggest that this variant is likely to be disruptive. This variant has not been reported in the literature in individuals affected with TK2-related conditions. This variant is not present in population databases (gnomAD no frequency). This sequence change replaces isoleucine, which is neutral and non-polar, with lysine, which is basic and polar, at codon 255 of the TK2 protein (p.Ile255Lys).